The following is an entry in ClinVar:

NM_004525.3(LRP2):c.13548G>C (p.Lys4516Asn)

Gene: LRP2 (LDL receptor related protein 2; minus strand). Cytogenetic location: 2q31.1.
Variant type: single nucleotide variant.
Coding change: c.13548G>C on transcript NM_004525.3 (MANE Select); coding-DNA position 13548, G replaced by C.
Protein change: p.Lys4516Asn; replaces lysine 4516 with asparagine.
Molecular consequence: missense variant.
Genome position (GRCh38, 1-based): chr2:169,137,464, C>G on the plus strand (G>C on the coding strand, the complement: LRP2 is on the minus strand). VCF-style: chr2-169137464-C-G. GRCh37 (hg19) VCF-style: chr2-169993974-C-G.
Other names: short protein forms K4516N.
Identifiers: ClinVar variation 4980064 (VCV004980064.1).

ClinVar aggregate classification (germline): Uncertain significance (1 of 4 stars; one submission).

Conditions:
LRP2-related disorder. Also called: LRP2-related condition.

gnomAD v4.1: 29 of 1,613,512 alleles (0.0018%); highest among the groups gnomAD compares: Middle Eastern, 0.049%; no homozygotes.

Submission:

PreventionGenetics, part of Exact Sciences
Classification: Uncertain significance for LRP2-related condition. Last evaluated: 2025-07-10. Review status: criteria provided, single submitter. Criteria: ACMG Guidelines, 2015. Collection method: clinical testing. Allele origin: germline.
Comment: The LRP2 c.13548G>C variant is predicted to result in the amino acid substitution p.Lys4516Asn. To our knowledge, this variant has not been reported in the literature. This variant is reported in 0.016% of alleles in individuals of South Asian descent in gnomAD. At this time, the clinical significance of this variant is uncertain due to the absence of conclusive functional and genetic evidence.